The following is an entry in ClinVar:

NM_024570.4(RNASEH2B):c.737C>G (p.Ser246Ter)

Gene: RNASEH2B (ribonuclease H2 subunit B; plus strand). Cytogenetic location: 13q14.3.
Variant type: single nucleotide variant.
Coding change: c.737C>G on transcript NM_024570.4 (MANE Select); coding-DNA position 737, C replaced by G.
Protein change: p.Ser246Ter; replaces serine 246 with a stop codon.
Molecular consequence: nonsense.
Genome position (GRCh38, 1-based): chr13:50,949,501, C>G. VCF-style: chr13-50949501-C-G. GRCh37 (hg19) VCF-style: chr13-51523637-C-G.
Other names: c.737C>G, p.Ser246Ter (NM_001142279.2, NM_001411023.1); short protein forms S246*.
Identifiers: ClinVar variation 4735463 (VCV004735463.1).

ClinVar aggregate classification (germline): Pathogenic (1 of 4 stars; one submission).

Conditions:
Aicardi-Goutieres syndrome 2. Identifiers: Orphanet 51, MedGen C3489724, MONDO:0012429, OMIM 610181.

Submission:

Labcorp Genetics (formerly Invitae), Labcorp
Classification: Pathogenic for Aicardi-Goutieres syndrome 2. Last evaluated: 2026-01-21. Review status: criteria provided, single submitter. Criteria: Invitae Variant Classification Sherloc (09022015). Collection method: clinical testing. Allele origin: germline.
Comment: This sequence change creates a premature translational stop signal (p.Ser246*) in the RNASEH2B gene. It is expected to result in an absent or disrupted protein product. Loss-of-function variants in RNASEH2B are known to be pathogenic (PMID: 17846997). This variant is not present in population databases (gnomAD no frequency). This variant has not been reported in the literature in individuals affected with RNASEH2B-related conditions. For these reasons, this variant has been classified as Pathogenic.

Literature cited by the submitters: PubMed 17846997.